The following is an entry in ClinVar:

ClinVar aggregate classification (germline): Uncertain significance (1 of 4 stars; one submission).

Allele frequency attached by ClinVar (database versions not stated): TOPMed 0.00001; ExAC 0.00002; gnomAD 0.00003.
gnomAD v4.1: 33 of 1,613,020 alleles (0.002%); highest among the groups gnomAD compares: South Asian, 0.018%; no homozygotes.

Submission:

Labcorp Genetics (formerly Invitae), Labcorp
Classification: Uncertain significance. Last evaluated: 2022-01-06. Review status: criteria provided, single submitter. Criteria: Invitae Variant Classification Sherloc (09022015). Collection method: clinical testing. Allele origin: germline.
Comment: This sequence change replaces arginine, which is basic and polar, with cysteine, which is neutral and slightly polar, at codon 2381 of the VPS13A protein (p.Arg2381Cys). This variant is present in population databases (rs761657969, gnomAD 0.02%). This variant has not been reported in the literature in individuals affected with VPS13A-related conditions. Algorithms developed to predict the effect of missense changes on protein structure and function are either unavailable or do not agree on the potential impact of this missense change (SIFT: "Tolerated"; PolyPhen-2: "Possibly Damaging"; Align-GVGD: "Class C0"). In summary, the available evidence is currently insufficient to determine the role of this variant in disease. Therefore, it has been classified as a Variant of Uncertain Significance.

NM_033305.3(VPS13A):c.7141C>T (p.Arg2381Cys)

Gene: VPS13A (vacuolar protein sorting 13 homolog A; plus strand). Cytogenetic location: 9q21.2.
Variant type: single nucleotide variant.
Coding change: c.7141C>T on transcript NM_033305.3 (MANE Select); coding-DNA position 7141, C replaced by T.
Protein change: p.Arg2381Cys; replaces arginine 2381 with cysteine.
Molecular consequence: missense variant.
Genome position (GRCh38, 1-based): chr9:77,344,267, C>T. VCF-style: chr9-77344267-C-T. GRCh37 (hg19) VCF-style: chr9-79959183-C-T.
Other names: c.7024C>T, p.Arg2342Cys (NM_001018037.2); c.7141C>T, p.Arg2381Cys (NM_001018038.3, NM_015186.4); short protein forms R2342C, R2381C.
Identifiers: ClinVar variation 2189256 (VCV002189256.1), dbSNP rs761657969, ClinGen allele CA5093221.